The following is an entry in ClinVar:

NM_020937.4(FANCM):c.4690A>G (p.Ile1564Val)

Gene: FANCM (FA complementation group M; plus strand). Cytogenetic location: 14q21.2.
Variant type: single nucleotide variant.
Coding change: c.4690A>G on transcript NM_020937.4 (MANE Select); coding-DNA position 4690, A replaced by G.
Protein change: p.Ile1564Val; replaces isoleucine 1564 with valine.
Molecular consequence: missense variant.
Genome position (GRCh38, 1-based): chr14:45,187,798, A>G. VCF-style: chr14-45187798-A-G. GRCh37 (hg19) VCF-style: chr14-45657001-A-G.
Other names: c.4690A>G (LRG_502t1, NM_020937.3); c.4612A>G, p.Ile1538Val (NM_001308133.2); short protein forms I1564V, I1538V.
Identifiers: ClinVar variation 569804 (VCV000569804.11), dbSNP rs540558068, ClinGen allele CA259635428.

ClinVar aggregate classification (germline): Uncertain significance. Review status: criteria provided, multiple submitters, no conflicts (2 of 4 stars). 2 submissions from 2 submitters: Uncertain significance (2). Last evaluated 2023-11-16.

Conditions:
Fanconi anemia (FA). Also called: Fanconi's anemia. Identifiers: Orphanet 84, MedGen C0015625, MeSH D005199, MONDO:0019391.

Allele frequency attached by ClinVar (database versions not stated): gnomAD 0.00001; TOPMed 0.00001; gnomAD exomes 0.00001.
gnomAD v4.1: 13 of 1,545,358 alleles (0.00084%); highest among the groups gnomAD compares: Non-Finnish European, 0.0012%; no homozygotes.

Submissions (2):

Quest Diagnostics Nichols Institute San Juan Capistrano
Classification: Uncertain significance. Last evaluated: 2023-11-16. Review status: criteria provided, single submitter. Criteria: Quest Diagnostics criteria. Collection method: clinical testing. Allele origin: unknown.
Comment: The FANCM c.4690A>G (p.Ile1564Val) variant has not been reported in individuals with FANCM-related conditions in the published literature. The frequency of this variant in the general population, 0.000032 (1/31400 chromosomes (Genome Aggregation Database)), is uninformative in the assessment of its pathogenicity. Analysis of this variant using a bioinformatics tool for the prediction of the effect of amino acid changes on protein structure and function yielded predictions that this variant is benign. Based on the available information, we are unable to determine the clinical significance of this variant.

Labcorp Genetics (formerly Invitae), Labcorp
Classification: Uncertain significance for Fanconi anemia. Last evaluated: 2020-03-24. Review status: criteria provided, single submitter. Criteria: Invitae Variant Classification Sherloc (09022015). Collection method: clinical testing. Allele origin: germline.
Comment: This variant has not been reported in the literature in individuals with FANCM-related disease. This variant is not present in population databases (ExAC no frequency). This sequence change replaces isoleucine with valine at codon 1564 of the FANCM protein (p.Ile1564Val). The isoleucine residue is weakly conserved and there is a small physicochemical difference between isoleucine and valine. Algorithms developed to predict the effect of missense changes on protein structure and function output the following: SIFT: "Tolerated"; PolyPhen-2: "Benign"; Align-GVGD: "Class C0". The valine amino acid residue is found in multiple mammalian species, suggesting that this missense change does not adversely affect protein function. These predictions have not been confirmed by published functional studies and their clinical significance is uncertain. In summary, the available evidence is currently insufficient to determine the role of this variant in disease. Therefore, it has been classified as a Variant of Uncertain Significance.